The following is an entry in ClinVar:

NM_000057.4(BLM):c.1397_1410del (p.Gly466fs)

Gene: BLM (BLM RecQ like helicase; plus strand). Cytogenetic location: 15q26.1.
Variant type: Deletion.
Coding change: c.1397_1410del on transcript NM_000057.4 (MANE Select); coding-DNA positions 1397 to 1410, 14 bases deleted (GGGACTGTTTACTG).
Protein change: p.Gly466fs; shifts the reading frame from glycine 466.
Molecular consequence: frameshift variant.
Genome position (GRCh38, 1-based): chr15:90,760,770-90,760,783, GGGACTGTTTACTG deleted; deleting any 14 consecutive bases within chr15:90,760,767-90,760,783 gives the same sequence; the c. name uses the placement nearest the transcript's 3' end. VCF-style (leftmost placement, unchanged base first): chr15-90760766-CCTGGGGACTGTTTA-C. GRCh37 (hg19) VCF-style: chr15-91303996-CCTGGGGACTGTTTA-C.
Other names: c.1397_1410del, p.Gly466fs (NM_001287246.2, NM_001287247.2); c.272_285del, p.Gly91fs (NM_001287248.2); short protein forms G466fs, G91fs.
Identifiers: ClinVar variation 5004698 (VCV005004698.1).

ClinVar aggregate classification (germline): Pathogenic (1 of 4 stars; one submission).

Conditions:
Bloom syndrome (BLM). Also called: Bloom-Torre-Machacek syndrome. Identifiers: Orphanet 125, MedGen C0005859, MONDO:0008876, OMIM 210900.

Submission:

Myriad Genetics, Inc.
Classification: Pathogenic for Bloom syndrome. Last evaluated: 2026-05-28. Review status: criteria provided, single submitter. Criteria: Myriad Autosomal Dominant, Autosomal Recessive and X-Linked Classification Criteria (2023). Collection method: clinical testing. Allele origin: unknown.
Comment: NM_000057.3(BLM):c.1397_1410del14(G466Dfs*18) is a frameshift variant classified as pathogenic in the context of Bloom syndrome. G466Dfs*18 has not been observed in cases with relevant disease. Relevant functional assessments of this variant are not available in the literature. G466Dfs*18 has not been observed in referenced population frequency databases. In summary, NM_000057.3(BLM):c.1397_1410del14(G466Dfs*18) is a frameshift variant in a gene where loss of function is a known mechanism of disease and is predicted to disrupt protein function. Please note: this variant was assessed in the context of healthy population screening.